The following is an entry in ClinVar:

NM_032607.3(CREB3L3):c.739del (p.Ile247fs)

Gene: CREB3L3 (cAMP responsive element binding protein 3 like 3; plus strand). Cytogenetic location: 19p13.3.
Variant type: Deletion.
Coding change: c.739del on transcript NM_032607.3 (MANE Select); coding-DNA position 739, one base deleted (A; older notation c.739delA).
Protein change: p.Ile247fs; shifts the reading frame from isoleucine 247.
Molecular consequence: frameshift variant. On other transcripts: intron variant (1).
Genome position (GRCh38, 1-based): chr19:4,168,375, A deleted; the last of 7 consecutive A bases (chr19:4,168,369-4,168,375); deleting any one gives the same sequence. VCF-style (leftmost placement, unchanged base first): chr19-4168368-GA-G. GRCh37 (hg19) VCF-style: chr19-4168365-GA-G.
Other names: c.736del, p.Ile246fs (NM_001271995.2); c.733del, p.Ile245fs (NM_001271996.2); c.715-1765del (NM_001271997.2); short protein forms I245fs, I247fs, I246fs.
Identifiers: ClinVar variation 2697680 (VCV002697680.3), dbSNP rs1167386243, ClinGen allele CA2585252254.
Genomic context (GRCh38, chr19:4,168,368, plus strand): 5'-GGACTTTCTGGCCTGAAACCCTCCTCCCCATTTCACTTGGCAGTACGAGGAGCGAGTGCT[GA>G]AAAAAATCCGCCGGAAAATCCGGAACAAGCAGTCGGCGCAAGAAAGCAGGAAGAAGAAGA-3'

ClinVar aggregate classification (germline): Pathogenic (1 of 4 stars; one submission).

Submission:

Labcorp Genetics (formerly Invitae), Labcorp
Classification: Pathogenic. Last evaluated: 2023-06-07. Review status: criteria provided, single submitter. Criteria: Invitae Variant Classification Sherloc (09022015). Collection method: clinical testing. Allele origin: germline.
Comment: For these reasons, this variant has been classified as Pathogenic. This variant has not been reported in the literature in individuals affected with CREB3L3-related conditions. This variant is not present in population databases (gnomAD no frequency). This sequence change creates a premature translational stop signal (p.Ile247Serfs*57) in the CREB3L3 gene. It is expected to result in an absent or disrupted protein product. Loss-of-function variants in CREB3L3 are known to be pathogenic (PMID: 21666694, 26427795).

Literature cited by the submitters: PubMed 21666694; PubMed 26427795.